The following is an entry in ClinVar:

NM_153240.5(NPHP3):c.276G>C (p.Glu92Asp)

Genes: NPHP3 (nephrocystin 3; minus strand), NPHP3-ACAD11 (NPHP3-ACAD11 readthrough (NMD candidate); minus strand), NPHP3-AS1 (NPHP3 antisense RNA 1; plus strand), LOC129937586 (ATAC-STARR-seq lymphoblastoid silent region 14743; plus strand). Cytogenetic location: 3q22.1.
Variant type: single nucleotide variant.
Coding change: c.276G>C on transcript NM_153240.5 (MANE Select); coding-DNA position 276, G replaced by C.
Protein change: p.Glu92Asp; replaces glutamic acid 92 with aspartic acid.
Molecular consequence: missense variant. On other transcripts: non-coding transcript variant (3).
Genome position (GRCh38, 1-based): chr3:132,722,080, C>G on the plus strand (G>C on the coding strand, the complement: NPHP3 is on the minus strand). VCF-style: chr3-132722080-C-G. GRCh37 (hg19) VCF-style: chr3-132440924-C-G.
Other names: p.Glu92Asp; short protein forms E92D.
Identifiers: ClinVar variation 593900 (VCV000593900.18), dbSNP rs143930288, ClinGen allele CA2622669.

ClinVar aggregate classification (germline): Conflicting classifications of pathogenicity. Review status: criteria provided, conflicting classifications (1 of 4 stars). 7 submissions from 7 submitters: Uncertain significance (6); Likely benign (1). Last evaluated 2026-08-07.

Conditions:
NPHP3-related disorder. Also called: NPHP3-related disorders; NPHP3-related condition. Identifiers: MedGen CN379163.
Inborn genetic diseases. Identifiers: MedGen C0950123, MeSH D030342.
Nephronophthisis. Also called: Juvenile Nephronophthisis. Identifiers: Orphanet 655, MedGen C0687120, MONDO:0019005, HP:0000090.
Nephronophthisis 3 (NPHP3). Also called: Adolescent nephronophthisis. Identifiers: Orphanet 655, MedGen C1858392, MONDO:0011456, OMIM 604387.
NPHP3-related Meckel-like syndrome. Also called: Meckel syndrome type 7; GOLDSTON SYNDROME. Identifiers: Orphanet 3032, MedGen C2673885, MONDO:0009966, OMIM 267010.
Renal-hepatic-pancreatic dysplasia 1 (RHPD1). Identifiers: MedGen C3715199, MONDO:0008833, OMIM 208540.

Allele frequency attached by ClinVar (database versions not stated): gnomAD exomes 0.00002; ExAC 0.00005; ESP Exome Variant Server 0.00008; gnomAD 0.00021 and 0.00026; TOPMed 0.00025.

Submissions (7):

PreventionGenetics, part of Exact Sciences
Classification: Uncertain significance for NPHP3-related condition. Last evaluated: 2026-08-07. Review status: criteria provided, single submitter. Criteria: ACMG Guidelines, 2015. Collection method: clinical testing. Allele origin: germline.
Comment: The NPHP3 c.276G>C variant is predicted to result in the amino acid substitution p.Glu92Asp. To our knowledge, this variant has not been reported in the literature. This variant is reported in 0.069% of alleles in individuals of African descent in gnomAD. Although we suspect that this variant may be benign, at this time, the clinical significance of this variant is uncertain due to the absence of conclusive functional and genetic evidence.

Labcorp Genetics (formerly Invitae), Labcorp
Classification: Likely benign for Nephronophthisis. Last evaluated: 2025-10-29. Review status: criteria provided, single submitter. Criteria: Invitae Variant Classification Sherloc (09022015). Collection method: clinical testing. Allele origin: germline.

Mayo Clinic Laboratories, Mayo Clinic
Classification: Uncertain significance. Last evaluated: 2025-07-01. Review status: criteria provided, single submitter. Criteria: ACMG Guidelines, 2015. Collection method: clinical testing. Allele origin: germline. Observed: 1 variant allele.

Ambry Genetics
Classification: Uncertain significance for Inborn genetic diseases. Last evaluated: 2024-05-01. Review status: criteria provided, single submitter. Criteria: Ambry Variant Classification Scheme 2023. Collection method: clinical testing. Allele origin: germline.

Fulgent Genetics
Classification: Uncertain significance for Renal-hepatic-pancreatic dysplasia 1; NPHP3-related Meckel-like syndrome; Nephronophthisis 3. Last evaluated: 2024-03-19. Review status: criteria provided, single submitter. Criteria: ACMG Guidelines, 2015. Collection method: clinical testing. Allele origin: germline.

GeneDx
Classification: Uncertain significance. Last evaluated: 2019-07-18. Review status: criteria provided, single submitter. Criteria: GeneDx Variant Classification Process June 2021. Collection method: clinical testing. Allele origin: germline. Affected: yes.
Comment: In silico analysis, which includes protein predictors and evolutionary conservation, supports that this variant does not alter protein structure/function; Has not been previously published as pathogenic or benign to our knowledge

Eurofins Ntd Llc (ga)
Classification: Uncertain significance. Last evaluated: 2017-09-01. Review status: criteria provided, single submitter. Criteria: EGL Classification Definitions 2015. Collection method: clinical testing. Allele origin: germline. Observed: 1 variant allele, 1 heterozygote.